The following is an entry in ClinVar:

NM_006013.5(RPL10):c.406A>G (p.Met136Val)

Gene: RPL10 (ribosomal protein L10; plus strand). Cytogenetic location: Xq28.
Variant type: single nucleotide variant.
Coding change: c.406A>G on transcript NM_006013.5 (MANE Select); coding-DNA position 406, A replaced by G.
Protein change: p.Met136Val; replaces methionine 136 with valine.
Molecular consequence: missense variant. On other transcripts: intron variant (1).
Genome position (GRCh38, 1-based): chrX:154,400,540, A>G. VCF-style: chrX-154400540-A-G. GRCh37 (hg19) VCF-style: chrX-153628881-A-G.
Other names: c.298A>G, p.Met100Val (NM_001256580.2); c.406A>G, p.Met136Val (NM_001303624.2, NM_001303625.1); c.395A>G, p.His132Arg (NM_001303626.1); c.330-162A>G (NM_001256577.2); short protein forms H132R, M100V, M136V.
Identifiers: ClinVar variation 3730975 (VCV003730975.1).
Genomic context (GRCh38, chrX:154,400,540, plus strand): 5'-CGAGGTGCCTTTGGAAAGCCCCAGGGCACTGTGGCCAGGGTTCACATTGGCCAAGTTATC[A>G]TGTCCATCCGCACCAAGCTGCAGAACAAGGAGCATGTGATTGAGGCCCTGCGCAGGGCCA-3'
Protein context (NP_006004.3, residues 126-146): VARVHIGQVI[Met136Val]SIRTKLQNKE

ClinVar aggregate classification (germline): Uncertain significance (1 of 4 stars; one submission).

Submission:

GeneDx
Classification: Uncertain significance. Last evaluated: 2024-08-13. Review status: criteria provided, single submitter. Criteria: GeneDx Variant Classification Process June 2021. Collection method: clinical testing. Allele origin: germline. Affected: yes.
Comment: Not observed at significant frequency in large population cohorts (gnomAD); In silico analysis indicates that this missense variant does not alter protein structure/function; Has not been previously published as pathogenic or benign to our knowledge